The following is an entry in ClinVar:

ClinVar aggregate classification (germline): Uncertain significance. Review status: criteria provided, multiple submitters, no conflicts (2 of 4 stars). 2 submissions from 2 submitters: Uncertain significance (2). Last evaluated 2024-05-04.

Conditions:
Hereditary cancer-predisposing syndrome. Also called: Tumor predisposition; Hereditary Cancer Syndrome; Hereditary neoplastic syndrome; Neoplastic Syndromes, Hereditary. Identifiers: Orphanet 140162, MedGen C0027672, MeSH D009386, MONDO:0015356.

Submissions (2):

Labcorp Genetics (formerly Invitae), Labcorp
Classification: Uncertain significance. Last evaluated: 2024-05-04. Review status: criteria provided, single submitter. Criteria: Invitae Variant Classification Sherloc (09022015). Collection method: clinical testing. Allele origin: germline.
Comment: This sequence change replaces threonine, which is neutral and polar, with serine, which is neutral and polar, at codon 670 of the MSH3 protein (p.Thr670Ser). This variant is not present in population databases (gnomAD no frequency). This variant has not been reported in the literature in individuals affected with MSH3-related conditions. Algorithms developed to predict the effect of missense changes on protein structure and function output the following: SIFT: "Not Available"; PolyPhen-2: "Benign"; Align-GVGD: "Not Available". The serine amino acid residue is found in multiple mammalian species, which suggests that this missense change does not adversely affect protein function. In summary, the available evidence is currently insufficient to determine the role of this variant in disease. Therefore, it has been classified as a Variant of Uncertain Significance.

Ambry Genetics
Classification: Uncertain significance for Hereditary cancer-predisposing syndrome. Last evaluated: 2024-04-29. Review status: criteria provided, single submitter. Criteria: Ambry Variant Classification Scheme 2023. Collection method: clinical testing. Allele origin: germline.
Comment: The p.T670S variant (also known as c.2008A>T), located in coding exon 14 of the MSH3 gene, results from an A to T substitution at nucleotide position 2008. The threonine at codon 670 is replaced by serine, an amino acid with similar properties. This amino acid position is conserved. In addition, this alteration is predicted to be tolerated by in silico analysis. Based on the available evidence, the clinical significance of this variant remains unclear.

NM_002439.5(MSH3):c.2008A>T (p.Thr670Ser)

Gene: MSH3 (mutS homolog 3; plus strand). Cytogenetic location: 5q14.1.
Variant type: single nucleotide variant.
Coding change: c.2008A>T on transcript NM_002439.5 (MANE Select); coding-DNA position 2008, A replaced by T.
Protein change: p.Thr670Ser; replaces threonine 670 with serine.
Molecular consequence: missense variant.
Genome position (GRCh38, 1-based): chr5:80,768,044, A>T. VCF-style: chr5-80768044-A-T. GRCh37 (hg19) VCF-style: chr5-80063863-A-T.
Other names: short protein forms T670S.
Identifiers: ClinVar variation 3296283 (VCV003296283.3).